The following is an entry in ClinVar:

NM_004928.3(CFAP410):c.642+172_642+175del

Gene: CFAP410 (cilia and flagella associated protein 410; minus strand). Cytogenetic location: 21q22.3.
Variant type: Deletion.
Coding change: c.642+172_642+175del on transcript NM_004928.3 (MANE Select); bases 172 to 175 of the intron after coding-DNA position 642, 4 bases deleted (AATG; older notation c.642+172_642+175delAATG).
Molecular consequence: intron variant. On other transcripts: frameshift variant (1).
Genome position (GRCh38, 1-based): chr21:44,330,648-44,330,651, CATT deleted on the plus strand (AATG on the coding strand, the reverse complement: CFAP410 is on the minus strand); deleting any 4 consecutive bases within chr21:44,330,648-44,330,653 gives the same sequence; the c. name uses the placement nearest the transcript's 3' end. VCF-style (leftmost placement, unchanged base first): chr21-44330647-GCATT-G. GRCh37 (hg19) VCF-style: chr21-45750530-GCATT-G.
Other names: c.811_814del, p.Asn271fs (NM_001271441.2); c.639+172_639+175del (NM_001271440.2); c.516+172_516+175del (NM_001271442.1); short protein forms N271fs.
Identifiers: ClinVar variation 1032721 (VCV001032721.1), dbSNP rs760816407, ClinGen allele CA321782315.

ClinVar aggregate classification (germline): Uncertain significance (1 of 4 stars; one submission).

Conditions:
Retinal dystrophy with or without macular staphyloma. Identifiers: Orphanet 653709, MedGen C4479651, MONDO:0060507, OMIM 617547.

Submission:

Baylor Genetics
Classification: Uncertain significance for Retinal dystrophy with or without macular staphyloma. Last evaluated: 2018-11-15. Review status: criteria provided, single submitter. Criteria: ACMG Guidelines, 2015. Collection method: clinical testing. Allele origin: paternal. Affected: yes.
Comment: This variant was determined to be of uncertain significance according to ACMG Guidelines, 2015 [PMID:25741868].